The following is an entry in ClinVar:

ClinVar aggregate classification (germline): Uncertain significance. Review status: criteria provided, multiple submitters, no conflicts (2 of 4 stars). 2 submissions from 2 submitters: Uncertain significance (2). Last evaluated 2025-06-07.

Conditions:
Emery-Dreifuss muscular dystrophy (EDMD). Also called: Scapuloperoneal syndrome, X-linked (formerly); Humeroperoneal neuromuscular disease, (formerly). Identifiers: Orphanet 261, MedGen C0410189, MONDO:0016830.

Allele frequency attached by ClinVar (database versions not stated): gnomAD 0.00002 and 0.00003; gnomAD exomes 0.00002; ExAC 0.00003.

Submissions (2):

Ambry Genetics
Classification: Uncertain significance. Last evaluated: 2025-06-07. Review status: criteria provided, single submitter. Criteria: Ambry Variant Classification Scheme 2023. Collection method: clinical testing. Allele origin: germline.

Labcorp Genetics (formerly Invitae), Labcorp
Classification: Uncertain significance for Emery-Dreifuss muscular dystrophy. Last evaluated: 2024-06-10. Review status: criteria provided, single submitter. Criteria: Invitae Variant Classification Sherloc (09022015). Collection method: clinical testing. Allele origin: germline.
Comment: This sequence change replaces valine, which is neutral and non-polar, with isoleucine, which is neutral and non-polar, at codon 202 of the SUN2 protein (p.Val202Ile). The frequency data for this variant in the population databases is considered unreliable, as metrics indicate poor data quality at this position in the gnomAD database. This variant has not been reported in the literature in individuals affected with SUN2-related conditions. ClinVar contains an entry for this variant (Variation ID: 1440616). An algorithm developed to predict the effect of missense changes on protein structure and function (PolyPhen-2) suggests that this variant is likely to be disruptive. In summary, the available evidence is currently insufficient to determine the role of this variant in disease. Therefore, it has been classified as a Variant of Uncertain Significance.

NM_015374.3(SUN2):c.604G>A (p.Val202Ile)

Gene: SUN2 (Sad1 and UNC84 domain containing 2; minus strand). Cytogenetic location: 22q13.1.
Variant type: single nucleotide variant.
Coding change: c.604G>A on transcript NM_015374.3 (MANE Select); coding-DNA position 604, G replaced by A.
Protein change: p.Val202Ile; replaces valine 202 with isoleucine.
Molecular consequence: missense variant. On other transcripts: intron variant (1).
Genome position (GRCh38, 1-based): chr22:38,749,776, C>T on the plus strand (G>A on the coding strand, the complement: SUN2 is on the minus strand). VCF-style: chr22-38749776-C-T. GRCh37 (hg19) VCF-style: chr22-39145781-C-T.
Other names: c.667G>A, p.Val223Ile (NM_001199579.2, NM_001394428.1); c.604G>A, p.Val202Ile (NM_001199580.2, NM_001394427.1, NM_001394431.1 and 9 more transcripts); c.649G>A, p.Val217Ile (NM_001394429.1, NM_001394430.1); c.514G>A, p.Val172Ile (NM_001394438.1); c.466G>A, p.Val156Ile (NM_001394439.1, NM_001394440.1, NM_001394441.1); c.123-993G>A (NM_001394443.1); c.604G>A (NM_015374.2); short protein forms V172I, V217I, V223I, V156I, V202I.
Identifiers: ClinVar variation 1440616 (VCV001440616.8), dbSNP rs751598721, ClinGen allele CA10235865.